The following is an entry in ClinVar:

NM_001365999.1(SZT2):c.2930-4G>A

Gene: SZT2 (SZT2 subunit of KICSTOR complex; plus strand). Cytogenetic location: 1p34.2.
Variant type: single nucleotide variant.
Coding change: c.2930-4G>A on transcript NM_001365999.1 (MANE Select); 4 bases into the intron before coding-DNA position 2930, G replaced by A.
Molecular consequence: intron variant.
Genome position (GRCh38, 1-based): chr1:43,426,034, G>A. VCF-style: chr1-43426034-G-A. GRCh37 (hg19) VCF-style: chr1-43891705-G-A.
Other names: c.2930-4G>A (NM_015284.4).
Identifiers: ClinVar variation 416977 (VCV000416977.11), dbSNP rs780736141, ClinGen allele CA808865.

ClinVar aggregate classification (germline): Conflicting classifications of pathogenicity. Review status: criteria provided, conflicting classifications (1 of 4 stars). 3 submissions from 3 submitters: Uncertain significance (1); Likely benign (2). Last evaluated 2025-12-13.

Conditions:
Inborn genetic diseases. Identifiers: MedGen C0950123, MeSH D030342.

Allele frequency attached by ClinVar (database versions not stated): gnomAD exomes 0.00001 and 0.00002; ExAC 0.00002; TOPMed 0.00002; gnomAD 0.00004.
gnomAD v4.1: 16 of 1,613,600 alleles (0.00099%); highest among the groups gnomAD compares: Admixed American, 0.0033%; no homozygotes.

Submissions (3):

Labcorp Genetics (formerly Invitae), Labcorp
Classification: Likely benign. Last evaluated: 2025-12-13. Review status: criteria provided, single submitter. Criteria: Invitae Variant Classification Sherloc (09022015). Collection method: clinical testing. Allele origin: germline.

Blueprint Genetics
Classification: Likely benign. Last evaluated: 2024-07-08. Review status: criteria provided, single submitter. Criteria: ACMG Guidelines, 2015. Collection method: clinical testing. Allele origin: germline.

Ambry Genetics
Classification: Uncertain significance for Inborn genetic diseases. Last evaluated: 2019-05-12. Review status: criteria provided, single submitter. Criteria: Ambry Variant Classification Scheme 2023. Collection method: clinical testing. Allele origin: germline.
Comment: The c.2930-4G>A intronic variant results from a G to A substitution 4 nucleotides upstream from coding exon 21 in the SZT2 gene. This nucleotide position is poorly conserved in available vertebrate species. Using the BDGP and ESEfinder splice site prediction tools, this alteration is not predicted to have any significant effect on this splice acceptor/donor site; however, direct evidence is unavailable. Since supporting evidence is limited at this time, the clinical significance of this alteration remains unclear.